The following is an entry in ClinVar:

ClinVar aggregate classification (germline): Uncertain significance (1 of 4 stars; one submission).

Allele frequency attached by ClinVar (database versions not stated): gnomAD exomes 0.00001; gnomAD 0.00002; TOPMed 0.00002.
gnomAD v4.1: 11 of 1,613,974 alleles (0.00068%); highest among the groups gnomAD compares: Non-Finnish European, 0.00093%; no homozygotes.

Submission:

Labcorp Genetics (formerly Invitae), Labcorp
Classification: Uncertain significance. Last evaluated: 2021-12-15. Review status: criteria provided, single submitter. Criteria: Invitae Variant Classification Sherloc (09022015). Collection method: clinical testing. Allele origin: germline.
Comment: This sequence change replaces leucine, which is neutral and non-polar, with valine, which is neutral and non-polar, at codon 370 of the NDUFV1 protein (p.Leu370Val). This variant is not present in population databases (gnomAD no frequency). This variant has not been reported in the literature in individuals affected with NDUFV1-related conditions. Advanced modeling of protein sequence and biophysical properties (such as structural, functional, and spatial information, amino acid conservation, physicochemical variation, residue mobility, and thermodynamic stability) performed at Invitae indicates that this missense variant is expected to disrupt NDUFV1 protein function. In summary, the available evidence is currently insufficient to determine the role of this variant in disease. Therefore, it has been classified as a Variant of Uncertain Significance.

NM_007103.4(NDUFV1):c.1108C>G (p.Leu370Val)

Genes: NDUFV1 (NADH:ubiquinone oxidoreductase core subunit V1; plus strand), LOC126861242 (CDK7 strongly-dependent group 2 enhancer GRCh37_chr11:67379204-67380403; plus strand). Cytogenetic location: 11q13.2.
Variant type: single nucleotide variant.
Coding change: c.1108C>G on transcript NM_007103.4 (MANE Select); coding-DNA position 1108, C replaced by G.
Protein change: p.Leu370Val; replaces leucine 370 with valine.
Molecular consequence: missense variant.
Genome position (GRCh38, 1-based): chr11:67,611,924, C>G. VCF-style: chr11-67611924-C-G. GRCh37 (hg19) VCF-style: chr11-67379395-C-G.
Other names: c.1081C>G, p.Leu361Val (NM_001166102.2); short protein forms L361V, L370V.
Identifiers: ClinVar variation 1934283 (VCV001934283.2), dbSNP rs1221806825, ClinGen allele CA381541459.